The following is an entry in ClinVar:

NM_080680.3(COL11A2):c.2519G>A (p.Arg840Gln)

Gene: COL11A2 (collagen type XI alpha 2 chain; minus strand). Cytogenetic location: 6p21.32.
Variant type: single nucleotide variant.
Coding change: c.2519G>A on transcript NM_080680.3 (MANE Select); coding-DNA position 2519, G replaced by A.
Protein change: p.Arg840Gln; replaces arginine 840 with glutamine.
Molecular consequence: missense variant.
Genome position (GRCh38, 1-based): chr6:33,174,021, C>T on the plus strand (G>A on the coding strand, the complement: COL11A2 is on the minus strand). VCF-style: chr6-33174021-C-T. GRCh37 (hg19) VCF-style: chr6-33141798-C-T.
Other names: c.2198G>A, p.Arg733Gln (NM_080679.3); c.2261G>A, p.Arg754Gln (NM_080681.3); short protein forms R733Q, R754Q, R840Q.
Identifiers: ClinVar variation 1214948 (VCV001214948.10), dbSNP rs538425732, ClinGen allele CA3750864.

ClinVar aggregate classification (germline): Conflicting classifications of pathogenicity. Review status: criteria provided, conflicting classifications (1 of 4 stars). 4 submissions from 4 submitters: Uncertain significance (3); Likely benign (1). Last evaluated 2025-11-23.

Conditions:
Inborn genetic diseases. Identifiers: MedGen C0950123, MeSH D030342.

Allele frequency attached by ClinVar (database versions not stated): gnomAD 0.00001; ExAC 0.00002; gnomAD exomes 0.00002; 1000 Genomes Project 30x 0.00016; 1000 Genomes Project 0.00020.
gnomAD v4.1: 26 of 1,613,978 alleles (0.0016%); highest among the groups gnomAD compares: Admixed American, 0.0033%; no homozygotes.

Submissions (4):

Labcorp Genetics (formerly Invitae), Labcorp
Classification: Likely benign. Last evaluated: 2025-11-23. Review status: criteria provided, single submitter. Criteria: Invitae Variant Classification Sherloc (09022015). Collection method: clinical testing. Allele origin: germline.

Ambry Genetics
Classification: Uncertain significance for Inborn genetic diseases. Last evaluated: 2024-06-13. Review status: criteria provided, single submitter. Criteria: Ambry Variant Classification Scheme 2023. Collection method: clinical testing. Allele origin: germline.

Blueprint Genetics
Classification: Uncertain significance. Last evaluated: 2024-05-24. Review status: criteria provided, single submitter. Criteria: ACMG Guidelines, 2015. Collection method: clinical testing. Allele origin: germline.

GeneDx
Classification: Uncertain significance. Last evaluated: 2020-03-11. Review status: criteria provided, single submitter. Criteria: GeneDx Variant Classification Process June 2021. Collection method: clinical testing. Allele origin: germline. Affected: yes.
Comment: Has not been previously published as pathogenic or benign to our knowledge; Not observed at a significant frequency in large population cohorts (Lek et al., 2016); In silico analysis, which includes protein predictors and evolutionary conservation, supports a deleterious effect